The following is an entry in ClinVar:

NM_000747.3(CHRNB1):c.754G>T (p.Val252Phe)

Gene: CHRNB1 (cholinergic receptor nicotinic beta 1 subunit; plus strand). Cytogenetic location: 17p13.1.
Variant type: single nucleotide variant.
Coding change: c.754G>T on transcript NM_000747.3 (MANE Select); coding-DNA position 754, G replaced by T.
Protein change: p.Val252Phe; replaces valine 252 with phenylalanine.
Molecular consequence: missense variant.
Genome position (GRCh38, 1-based): chr17:7,448,722, G>T. VCF-style: chr17-7448722-G-T. GRCh37 (hg19) VCF-style: chr17-7352041-G-T.
Other names: short protein forms V252F.
Identifiers: ClinVar variation 650752 (VCV000650752.8), dbSNP rs751045224, ClinGen allele CA397794729.
Genomic context (GRCh38, chr17:7,448,722, plus strand): 5'-CGCCAGGAAGTCATCTTCTACCTCATCATCCGCCGCAAGCCTCTCTTCTACCTGGTCAAC[G>T]TCATTGCCCCATGCATCCTCATCACTCTTCTGGCCATCTTCGTCTTCTACCTGCCACCAG-3'
Protein context (NP_000738.2, residues 242-262): RRKPLFYLVN[Val252Phe]IAPCILITLL

ClinVar aggregate classification (germline): Uncertain significance (1 of 4 stars; one submission).

Conditions:
Congenital myasthenic syndrome 2A. Also called: Myasthenic syndrome, congenital, 2a, slow-channel. Identifiers: Orphanet 590, MedGen C4225374, MONDO:0014581, OMIM 616313.

Submission:

Labcorp Genetics (formerly Invitae), Labcorp
Classification: Uncertain significance for Congenital myasthenic syndrome 2A. Last evaluated: 2018-09-06. Review status: criteria provided, single submitter. Criteria: Invitae Variant Classification Sherloc (09022015). Collection method: clinical testing. Allele origin: germline.
Comment: In summary, the available evidence is currently insufficient to determine the role of this variant in disease. Therefore, it has been classified as a Variant of Uncertain Significance. Experimental studies have shown that this missense change alters acetylcholine receptor channel function (PMID: 14991812). This variant has been observed in an individual affected with myasthenic syndrome (PMID: 14991812). This variant is also known as V229F in the literature. This variant is not present in population databases (ExAC no frequency). This sequence change replaces valine with phenylalanine at codon 252 of the CHRNB1 protein (p.Val252Phe). The valine residue is moderately conserved and there is a small physicochemical difference between valine and phenylalanine.

Literature cited by the submitters: PubMed 14991812.